The following is an entry in ClinVar:

NM_002519.3(NPAT):c.1030T>C (p.Ser344Pro)

Gene: NPAT (nuclear protein, coactivator of histone transcription; minus strand). Cytogenetic location: 11q22.3.
Variant type: single nucleotide variant.
Coding change: c.1030T>C on transcript NM_002519.3 (MANE Select); coding-DNA position 1030, T replaced by C.
Protein change: p.Ser344Pro; replaces serine 344 with proline.
Molecular consequence: missense variant.
Genome position (GRCh38, 1-based): chr11:108,176,348, A>G on the plus strand (T>C on the coding strand, the complement: NPAT is on the minus strand). VCF-style: chr11-108176348-A-G. GRCh37 (hg19) VCF-style: chr11-108047075-A-G.
Other names: c.1030T>C, p.Ser344Pro (NM_001321307.1); short protein forms S344P.
Identifiers: ClinVar variation 1771131 (VCV001771131.2), dbSNP rs1228410887, ClinGen allele CA382516980.

ClinVar aggregate classification (germline): Uncertain significance (1 of 4 stars; one submission).

Allele frequency attached by ClinVar (database versions not stated): TOPMed below 0.00001.

Submission:

Ambry Genetics
Classification: Uncertain significance. Last evaluated: 2021-11-30. Review status: criteria provided, single submitter. Criteria: Ambry Variant Classification Scheme 2023. Collection method: clinical testing. Allele origin: germline.
Comment: The p.S344P variant (also known as c.1030T>C), located in coding exon 12 of the NPAT gene, results from a T to C substitution at nucleotide position 1030. The serine at codon 344 is replaced by proline, an amino acid with similar properties. This amino acid position is conserved. In addition, this alteration is predicted to be tolerated by in silico analysis. Since supporting evidence is limited at this time, the clinical significance of this alteration remains unclear.